The following is an entry in ClinVar:

ClinVar aggregate classification (germline): Uncertain significance. Review status: criteria provided, multiple submitters, no conflicts (2 of 4 stars). 2 submissions from 2 submitters: Uncertain significance (2). Last evaluated 2025-02-22.

Conditions:
Inborn genetic diseases. Identifiers: MedGen C0950123, MeSH D030342.

Allele frequency attached by ClinVar (database versions not stated): 1000 Genomes Project 30x 0.00031; 1000 Genomes Project 0.00020; ExAC 0.00002; gnomAD exomes 0.00003; TOPMed 0.00004.
gnomAD v4.1: 15 of 1,614,214 alleles (0.00093%); highest among the groups gnomAD compares: Admixed American, 0.01%; no homozygotes.

Submissions (2):

Ambry Genetics
Classification: Uncertain significance for Inborn genetic diseases. Last evaluated: 2025-02-22. Review status: criteria provided, single submitter. Criteria: Ambry Variant Classification Scheme 2023. Collection method: clinical testing. Allele origin: germline.

Labcorp Genetics (formerly Invitae), Labcorp
Classification: Uncertain significance. Last evaluated: 2022-07-26. Review status: criteria provided, single submitter. Criteria: Invitae Variant Classification Sherloc (09022015). Collection method: clinical testing. Allele origin: germline.
Comment: This sequence change replaces valine, which is neutral and non-polar, with leucine, which is neutral and non-polar, at codon 397 of the TBXAS1 protein (p.Val397Leu). This variant is present in population databases (rs201269727, gnomAD 0.01%). This variant has not been reported in the literature in individuals affected with TBXAS1-related conditions. ClinVar contains an entry for this variant (Variation ID: 1406755). Algorithms developed to predict the effect of missense changes on protein structure and function are either unavailable or do not agree on the potential impact of this missense change (SIFT: "Deleterious"; PolyPhen-2: "Probably Damaging"; Align-GVGD: "Class C0"). In summary, the available evidence is currently insufficient to determine the role of this variant in disease. Therefore, it has been classified as a Variant of Uncertain Significance.

NM_001061.7(TBXAS1):c.1186G>C (p.Val396Leu)

Gene: TBXAS1 (thromboxane A synthase 1; plus strand). Cytogenetic location: 7q34.
Variant type: single nucleotide variant.
Coding change: c.1186G>C on transcript NM_001061.7 (MANE Select); coding-DNA position 1186, G replaced by C.
Protein change: p.Val396Leu; replaces valine 396 with leucine.
Molecular consequence: missense variant.
Genome position (GRCh38, 1-based): chr7:140,007,142, G>C. VCF-style: chr7-140007142-G-C. GRCh37 (hg19) VCF-style: chr7-139706942-G-C.
Other names: c.1186G>C, p.Val396Leu (NM_001130966.5, NM_030984.6); c.1324G>C, p.Val442Leu (NM_001166253.4); c.985G>C, p.Val329Leu (NM_001166254.4); c.1129G>C, p.Val377Leu (NM_001314028.4); c.1003G>C, p.Val335Leu (NM_001366537.3); c.1189G>C (NM_001061.4); short protein forms V329L, V377L, V396L, V335L, V442L.
Identifiers: ClinVar variation 1406755 (VCV001406755.6), dbSNP rs201269727, ClinGen allele CA4511921.